The following is an entry in ClinVar:

ClinVar aggregate classification (germline): Uncertain significance. Review status: criteria provided, multiple submitters, no conflicts (2 of 4 stars). 2 submissions from 2 submitters: Uncertain significance (2). Last evaluated 2022-11-01.

Allele frequency attached by ClinVar (database versions not stated): gnomAD exomes below 0.00001; gnomAD 0.00001.
gnomAD v4.1: 6 of 1,613,868 alleles (0.00037%); highest among the groups gnomAD compares: Admixed American, 0.005%; no homozygotes.

Submissions (2):

Labcorp Genetics (formerly Invitae), Labcorp
Classification: Uncertain significance. Last evaluated: 2022-11-01. Review status: criteria provided, single submitter. Criteria: Invitae Variant Classification Sherloc (09022015). Collection method: clinical testing. Allele origin: germline.
Comment: This sequence change replaces serine, which is neutral and polar, with phenylalanine, which is neutral and non-polar, at codon 413 of the KIAA1549 protein (p.Ser413Phe). This variant is not present in population databases (gnomAD no frequency). This variant has not been reported in the literature in individuals affected with KIAA1549-related conditions. ClinVar contains an entry for this variant (Variation ID: 1507149). Algorithms developed to predict the effect of missense changes on protein structure and function are either unavailable or do not agree on the potential impact of this missense change (SIFT: "Deleterious"; PolyPhen-2: "Possibly Damaging"; Align-GVGD: "Class C0"). In summary, the available evidence is currently insufficient to determine the role of this variant in disease. Therefore, it has been classified as a Variant of Uncertain Significance.

Blueprint Genetics
Classification: Uncertain significance. Last evaluated: 2021-08-05. Review status: criteria provided, single submitter. Criteria: ACMG Guidelines, 2015. Collection method: clinical testing. Allele origin: germline.

NM_001164665.2(KIAA1549):c.1238C>T (p.Ser413Phe)

Gene: KIAA1549 (KIAA1549; minus strand). Cytogenetic location: 7q34.
Variant type: single nucleotide variant.
Coding change: c.1238C>T on transcript NM_001164665.2 (MANE Select); coding-DNA position 1238, C replaced by T.
Protein change: p.Ser413Phe; replaces serine 413 with phenylalanine.
Molecular consequence: missense variant.
Genome position (GRCh38, 1-based): chr7:138,918,388, G>A on the plus strand (C>T on the coding strand, the complement: KIAA1549 is on the minus strand). VCF-style: chr7-138918388-G-A. GRCh37 (hg19) VCF-style: chr7-138603134-G-A.
Other names: c.1238C>T, p.Ser413Phe (NM_020910.3); short protein forms S413F.
Identifiers: ClinVar variation 1507149 (VCV001507149.4), dbSNP rs1017830269, ClinGen allele CA167164146.